The following is an entry in ClinVar:

ClinVar aggregate classification (germline): Likely pathogenic (1 of 4 stars; one submission).

Conditions:
Phenylketonuria (PKU). Also called: Phenylketonurias; FOLLING DISEASE; Phenylketonuria (PKU); OLIGOPHRENIA PHENYLPYRUVICA. Identifiers: Orphanet 716, MedGen C0031485, MONDO:0009861, OMIM 261600. Disease mechanism: loss of function.

Submission:

Myriad Genetics, Inc.
Classification: Likely pathogenic for Phenylketonuria. Last evaluated: 2022-05-12. Review status: criteria provided, single submitter. Criteria: Myriad Women's Health Autosomal Recessive and X-Linked Classification Criteria (2021). Collection method: clinical testing. Allele origin: unknown.
Comment: NM_000277.1(PAH):c.676delC(Q226Sfs*115) is expected to be pathogenic in the context of phenylalanine hydroxylase deficiency. This variant is predicted to lead to an abnormal or absent protein product due to the creation of a premature termination codon in PAH, a gene where loss-of-function variants are known to be pathogenic. Please note: this variant was assessed in the context of healthy population screening.

NM_000277.3(PAH):c.676del (p.Gln226fs)

Gene: PAH (phenylalanine hydroxylase; minus strand). Cytogenetic location: 12q23.2.
Variant type: Deletion.
Coding change: c.676del on transcript NM_000277.3 (MANE Select); coding-DNA position 676, one base deleted (C; older notation c.676delC).
Protein change: p.Gln226fs; shifts the reading frame from glutamine 226.
Molecular consequence: frameshift variant.
Genome position (GRCh38, 1-based): chr12:102,855,166, G deleted on the plus strand (C on the coding strand, the reverse complement: PAH is on the minus strand); the first of 4 consecutive G bases (chr12:102,855,166-102,855,169); deleting any one gives the same sequence. VCF-style (leftmost placement, unchanged base first): chr12-102855165-TG-T. GRCh37 (hg19) VCF-style: chr12-103248943-TG-T.
Other names: c.676del, p.Gln226fs (NM_001354304.2); short protein forms Q226fs.
Identifiers: ClinVar variation 1726049 (VCV001726049.2), dbSNP rs2499625897, ClinGen allele CA2580085710.